The following is an entry in ClinVar:

NM_015021.3(ZNF292):c.4378A>G (p.Asn1460Asp)

Gene: ZNF292 (zinc finger protein 292; plus strand). Cytogenetic location: 6q14.3.
Variant type: single nucleotide variant.
Coding change: c.4378A>G on transcript NM_015021.3 (MANE Select); coding-DNA position 4378, A replaced by G.
Protein change: p.Asn1460Asp; replaces asparagine 1460 with aspartic acid.
Molecular consequence: missense variant.
Genome position (GRCh38, 1-based): chr6:87,258,007, A>G. VCF-style: chr6-87258007-A-G. GRCh37 (hg19) VCF-style: chr6-87967725-A-G.
Other names: c.3958A>G, p.Asn1320Asp (NM_001351444.2); short protein forms N1320D, N1460D.
Identifiers: ClinVar variation 2656747 (VCV002656747.24), dbSNP rs2482326923, ClinGen allele CA364927094.
Genomic context (GRCh38, chr6:87,258,007, plus strand): 5'-TCTACCTTCAATCCAGAAGCATGTTTTAAAGATCCATCATTTCTACAGCTTCTTGCTGAA[A>G]ATCGCTCGCCAGCATTTTTACCAAATACATTTCCTCGATCTGGTGTGACTAACTTTAATA-3'
Protein context (NP_055836.1, residues 1450-1470): DPSFLQLLAE[Asn1460Asp]RSPAFLPNTF

ClinVar aggregate classification (germline): Uncertain significance (1 of 4 stars; one submission).

Allele frequency attached by ClinVar (database versions not stated): gnomAD exomes below 0.00001.
gnomAD v4.1: 5 of 1,613,898 alleles (0.00031%); highest among the groups gnomAD compares: Middle Eastern, 0.066%; no homozygotes.

Submission:

CeGaT Center for Human Genetics Tuebingen
Classification: Uncertain significance. Last evaluated: 2022-08-01. Review status: criteria provided, single submitter. Criteria: CeGaT Center For Human Genetics Tuebingen Variant Classification Criteria Version 2. Collection method: clinical testing. Allele origin: germline. Affected: yes. Observed: 1 variant allele.
Comment: ZNF292: PM2, BP4